The following is an entry in ClinVar:

ClinVar aggregate classification (germline): Uncertain significance. Review status: criteria provided, single submitter (1 of 4 stars). 2 submissions from 2 submitters: Uncertain significance (1). 1 of the submissions does not count toward it. Last evaluated 2026-06-25.

Conditions:
Hereditary cancer-predisposing syndrome. Also called: Neoplastic Syndromes, Hereditary; Hereditary neoplastic syndrome; Hereditary Cancer Syndrome; Tumor predisposition. Identifiers: Orphanet 140162, MedGen C0027672, MeSH D009386, MONDO:0015356.
Malignant tumor of breast. Also called: Malignant breast neoplasm; Cancer breast. Identifiers: MedGen C0006142, MONDO:0007254. Disease mechanism: loss of function.

Submissions (2):

Ambry Genetics
Classification: Uncertain significance for Hereditary cancer-predisposing syndrome. Last evaluated: 2026-06-25. Review status: criteria provided, single submitter. Criteria: Ambry Variant Classification Scheme 2023. Collection method: clinical testing. Allele origin: germline.
Comment: The p.W2629C variant (also known as c.7887G>T), located in coding exon 16 of the BRCA2 gene, results from a G to T substitution at nucleotide position 7887. The tryptophan at codon 2629 is replaced by cysteine, an amino acid with highly dissimilar properties. The results from two saturation genome editing-based studies, including a haploid cell-survival assay and a humanized mouse embryonic stem cell line assay of drug response and survival, are discordant for this nucleotide substitution (Huang H et al. Nature. 2025 Feb;638(8050):528-537; Sahu S et al. Nature. 2025 Feb;638(8050):538-545). This variant has demonstrated an intermediate impact in a homology-directed repair functional assay (Ambry internal data). This amino acid position is highly conserved in available vertebrate species. In addition, this alteration is predicted to be deleterious by in silico analysis. Since supporting evidence is limited at this time, the clinical significance of this alteration remains unclear.

Department of Pathology and Laboratory Medicine, Sinai Health System
Classification: Uncertain significance for Malignant tumor of breast. Review status: no assertion criteria provided. Collection method: clinical testing. Allele origin: unknown. Affected: yes. Observed: 1 variant allele. Study: The Canadian Open Genetics Repository (COGR). Not counted in ClinVar's aggregate classification.
Comment: The BRCA2 p.Trp2629Cys variant was not identified in the literature, nor was it identified in the dbSNP, NHLBI Exome Sequencing Project (Exome Variant Server), Exome Aggregation Consortium (ExAC), LOVD, COSMIC, ClinVar, Clinvitae, ARUP Laboratories BRCA Mutations Database, GeneInsight COGR, BIC or UMD. The p.Trp2629 residue is conserved across mammals and other organisms, and computational analyses (PolyPhen-2, SIFT, AlignGVGD, BLOSUM, MutationTaster) suggest that the Cys variant may impact the protein. However, this information is not predictive enough to assume pathogenicity. The variant occurs outside of the splicing consensus sequence and 1 of 5 in silico or computational prediction software programs (SpliceSiteFinder, MaxEntScan, NNSPLICE, GeneSplicer, HumanSpliceFinder) predict a greater than 10% chance that the variant creates a cryptic 5â€šÃ„Ã´ splice donor site and one predicts a greater than 10% chance that the variant creates a cryptic 3â€šÃ„Ã´ splice acceptor site. In summary, based on the above information, the clinical significance of this variant cannot be determined with certainty at this time. This variant is classified as a variant of uncertain significance.

NM_000059.4(BRCA2):c.7887G>T (p.Trp2629Cys)

Gene: BRCA2 (BRCA2 DNA repair associated; plus strand). Cytogenetic location: 13q13.1.
Variant type: single nucleotide variant.
Coding change: c.7887G>T on transcript NM_000059.4 (MANE Select); coding-DNA position 7887, G replaced by T.
Protein change: p.Trp2629Cys; replaces tryptophan 2629 with cysteine.
Molecular consequence: missense variant.
Genome position (GRCh38, 1-based): chr13:32,362,604, G>T. VCF-style: chr13-32362604-G-T. GRCh37 (hg19) VCF-style: chr13-32936741-G-T.
Other names: short protein forms W2629C.
Identifiers: ClinVar variation 433819 (VCV000433819.8), dbSNP rs886040734, ClinGen allele CA387747120.